The following is an entry in ClinVar:

ClinVar aggregate classification (germline): Uncertain significance. Review status: criteria provided, multiple submitters, no conflicts (2 of 4 stars). 3 submissions from 3 submitters: Uncertain significance (3). Last evaluated 2025-11-18.

Conditions:
COL4A1-related disorder. Also called: COL4A1-related condition; COL4A1-related disorders. Identifiers: MedGen CN376119, MONDO:0800461.

Allele frequency attached by ClinVar (database versions not stated): gnomAD exomes 0.00004; TOPMed below 0.00001; gnomAD 0.00001.
gnomAD v4.1: 61 of 1,613,918 alleles (0.0038%); highest among the groups gnomAD compares: Non-Finnish European, 0.0049%; no homozygotes.

Submissions (3):

Labcorp Genetics (formerly Invitae), Labcorp
Classification: Uncertain significance. Last evaluated: 2025-11-18. Review status: criteria provided, single submitter. Criteria: Invitae Variant Classification Sherloc (09022015). Collection method: clinical testing. Allele origin: germline.
Comment: This sequence change replaces proline, which is neutral and non-polar, with alanine, which is neutral and non-polar, at codon 120 of the COL4A1 protein (p.Pro120Ala). This variant is not present in population databases (gnomAD no frequency). This variant has not been reported in the literature in individuals affected with COL4A1-related conditions. ClinVar contains an entry for this variant (Variation ID: 2440306). Invitae Evidence Modeling of protein sequence and biophysical properties (such as structural, functional, and spatial information, amino acid conservation, physicochemical variation, residue mobility, and thermodynamic stability) indicates that this missense variant is not expected to disrupt COL4A1 protein function with a negative predictive value of 95%. In summary, the available evidence is currently insufficient to determine the role of this variant in disease. Therefore, it has been classified as a Variant of Uncertain Significance.

PreventionGenetics, part of Exact Sciences
Classification: Uncertain significance for COL4A1-related condition. Last evaluated: 2025-05-05. Review status: criteria provided, single submitter. Criteria: ACMG Guidelines, 2015. Collection method: clinical testing. Allele origin: germline.
Comment: The COL4A1 c.358C>G variant is predicted to result in the amino acid substitution p.Pro120Ala. To our knowledge, this variant has not been reported in the literature or in a large population database (gnomAD), indicating this variant is rare. At this time, the clinical significance of this variant is uncertain due to the absence of conclusive functional and genetic evidence.

Revvity Omics, Revvity
Classification: Uncertain significance. Last evaluated: 2023-01-01. Review status: criteria provided, single submitter. Criteria: ACMG Guidelines, 2015. Collection method: clinical testing. Allele origin: germline.

NM_001845.6(COL4A1):c.358C>G (p.Pro120Ala)

Gene: COL4A1 (collagen type IV alpha 1 chain; minus strand). Cytogenetic location: 13q34.
Variant type: single nucleotide variant.
Coding change: c.358C>G on transcript NM_001845.6 (MANE Select); coding-DNA position 358, C replaced by G.
Protein change: p.Pro120Ala; replaces proline 120 with alanine.
Molecular consequence: missense variant.
Genome position (GRCh38, 1-based): chr13:110,212,446, G>C on the plus strand (C>G on the coding strand, the complement: COL4A1 is on the minus strand). VCF-style: chr13-110212446-G-C. GRCh37 (hg19) VCF-style: chr13-110864793-G-C.
Other names: c.358C>G, p.Pro120Ala (NM_001303110.2); c.358C>G (NM_001845.5); short protein forms P120A.
Identifiers: ClinVar variation 2440306 (VCV002440306.7), dbSNP rs1879851744, ClinGen allele CA388726356.